The following is an entry in ClinVar:

ClinVar aggregate classification (germline): Uncertain significance (1 of 4 stars; one submission).

Conditions:
Cohen syndrome (COH1). Also called: PEPPER SYNDROME; Cutis verticis gyrata, retinitis pigmentosa, and sensorineural deafness. Identifiers: Orphanet 193, MedGen C0265223, MONDO:0008999, OMIM 216550.

Allele frequency attached by ClinVar (database versions not stated): ExAC 0.00001.
gnomAD v4.1: 2 of 1,614,130 alleles (0.00012%); highest among the groups gnomAD compares: Admixed American, 0.0017%; no homozygotes.

Submission:

Labcorp Genetics (formerly Invitae), Labcorp
Classification: Uncertain significance for Cohen syndrome. Last evaluated: 2022-09-06. Review status: criteria provided, single submitter. Criteria: Invitae Variant Classification Sherloc (09022015). Collection method: clinical testing. Allele origin: germline.
Comment: In summary, the available evidence is currently insufficient to determine the role of this variant in disease. Therefore, it has been classified as a Variant of Uncertain Significance. Variants that disrupt the consensus splice site are a relatively common cause of aberrant splicing (PMID: 17576681, 9536098). Algorithms developed to predict the effect of sequence changes on RNA splicing suggest that this variant may disrupt the consensus splice site. This variant has not been reported in the literature in individuals affected with VPS13B-related conditions. This variant is present in population databases (rs759415088, gnomAD 0.003%). This sequence change falls in intron 60 of the VPS13B gene. It does not directly change the encoded amino acid sequence of the VPS13B protein. It affects a nucleotide within the consensus splice site.

Literature cited by the submitters: PubMed 17576681; PubMed 9536098.

NM_152564.5(VPS13B):c.11496-3C>A

Gene: VPS13B (vacuolar protein sorting 13 homolog B; plus strand). Cytogenetic location: 8q22.2.
Variant type: single nucleotide variant.
Coding change: c.11496-3C>A on transcript NM_152564.5 (MANE Select); 3 bases into the intron before coding-DNA position 11496, C replaced by A.
Molecular consequence: intron variant.
Genome position (GRCh38, 1-based): chr8:99,871,445, C>A. VCF-style: chr8-99871445-C-A. GRCh37 (hg19) VCF-style: chr8-100883673-C-A.
Other names: c.11571-3C>A (NM_017890.5).
Identifiers: ClinVar variation 2080979 (VCV002080979.4), dbSNP rs759415088, ClinGen allele CA4825267.
Genomic context (GRCh38, chr8:99,871,445, plus strand): 5'-GCACTGATAAGTGACCATCTTTTCACAGCTGGCCCCTGGCCTCACTTTTCTCCTTTTAAA[C>A]AGGAAAATGCTTCAGTCTCTGGGCAGACCAGAAGTCCACATGGCCCTGGACGTGGTTCTG-3'